The following is an entry in ClinVar:

NM_001042492.3(NF1):c.7602_7603insG (p.Lys2535fs)

Gene: NF1 (neurofibromin 1; plus strand). Cytogenetic location: 17q11.2.
Variant type: Insertion.
Coding change: c.7602_7603insG on transcript NM_001042492.3 (MANE Select); coding-DNA positions 7602 to 7603, G inserted.
Protein change: p.Lys2535fs; shifts the reading frame from lysine 2535.
Molecular consequence: frameshift variant.
Genome position: GRCh38 VCF-style: chr17-31352401-T-TG. GRCh37 (hg19) VCF-style: chr17-29679419-T-TG.
Other names: c.7539_7540insG, p.Lys2514Glufs (NM_000267.4); short protein forms K2514fs, K2535fs.
Identifiers: ClinVar variation 2829050 (VCV002829050.3), dbSNP rs2508812294, ClinGen allele CA2739267289.

ClinVar aggregate classification (germline): Pathogenic (1 of 4 stars; one submission).

Conditions:
Neurofibromatosis, type 1 (NF1). Also called: VON RECKLINGHAUSEN DISEASE; NEUROFIBROMATOSIS, TYPE I, SOMATIC; Neurofibromatosis, type I; Peripheral type neurofibromatosis. Identifiers: Orphanet 636, MedGen C0027831, MONDO:0018975, OMIM 162200. Disease mechanism: loss of function.

Submission:

Labcorp Genetics (formerly Invitae), Labcorp
Classification: Pathogenic for Neurofibromatosis, type 1. Last evaluated: 2023-01-16. Review status: criteria provided, single submitter. Criteria: Invitae Variant Classification Sherloc (09022015). Collection method: clinical testing. Allele origin: germline.
Comment: This sequence change creates a premature translational stop signal (p.Lys2514Glufs*11) in the NF1 gene. It is expected to result in an absent or disrupted protein product. Loss-of-function variants in NF1 are known to be pathogenic (PMID: 10712197, 23913538). This variant is not present in population databases (gnomAD no frequency). This variant has not been reported in the literature in individuals affected with NF1-related conditions. For these reasons, this variant has been classified as Pathogenic.

Literature cited by the submitters: PubMed 10712197; PubMed 23913538.